The following is an entry in ClinVar:

NM_001267550.2(TTN):c.10268dup (p.Gln3424fs)

Gene: TTN (titin; minus strand). Cytogenetic location: 2q31.2.
Variant type: Duplication.
Coding change: c.10268dup on transcript NM_001267550.2 (MANE Select); coding-DNA position 10268, one base duplicated (G; older notation c.10268dupG).
Protein change: p.Gln3424fs; shifts the reading frame from glutamine 3424.
Molecular consequence: frameshift variant.
Genome position (GRCh38, 1-based): chr2:178,759,019, C duplicated on the plus strand (G on the coding strand, the reverse complement: TTN is on the minus strand); the first of 2 consecutive C bases (chr2:178,759,019-178,759,020); duplicating either gives the same sequence. VCF-style (leftmost placement, unchanged base first): chr2-178759018-G-GC. GRCh37 (hg19) VCF-style: chr2-179623745-G-GC.
Other names: c.10268dup, p.Gln3424fs (NM_001256850.1, NM_133378.4, NM_133379.5); c.10130dup, p.Gln3378fs (NM_003319.4, NM_133432.3, NM_133437.4); c.10130dupG (NM_003319.4); short protein forms Q3378fs, Q3424fs.
Identifiers: ClinVar variation 3975855 (VCV003975855.1).

ClinVar aggregate classification (germline): Likely pathogenic (1 of 4 stars; one submission).

Conditions:
Cardiovascular phenotype. Identifiers: MedGen CN230736.

Submission:

Ambry Genetics
Classification: Likely pathogenic for Cardiovascular phenotype. Last evaluated: 2025-06-13. Review status: criteria provided, single submitter. Criteria: Ambry Variant Classification Scheme 2023. Collection method: clinical testing. Allele origin: germline.
Comment: The c.10130dupG variant, located in coding exon 42 of the TTN gene, results from a duplication of G at nucleotide position 10130, causing a translational frameshift with a predicted alternate stop codon (p.Q3378Pfs*14). This exon is located in the I-band region of the N2-B isoform of the titin protein and is constitutively expressed in TTN transcripts (percent spliced in or PSI 100%). This variant is considered to be rare based on population cohorts in the Genome Aggregation Database (gnomAD). This variant is expected to result in loss of function by premature protein truncation or nonsense-mediated mRNA decay. While truncating variants in TTN are present in 1-3% of the general population, truncating variants in the A-band are the most common cause of dilated cardiomyopathy (Herman DS et al. N. Engl. J. Med., 2012 Feb;366:619-28; Roberts AM et al. Sci Transl Med, 2015 Jan;7:270ra6). TTN truncating variants encoded in constitutive exons (PSI >90%) have been found to be significantly associated with DCM regardless of their position in titin (Schafer S et al. Nat. Genet., 2017 01;49:46-53; Akhtar MM et al. Circ Heart Fail, 2020 Oct;13:e006832; Massier M et al. Clin Genet, 2025 Jan). Based on the majority of available evidence to date, this variant is likely to be pathogenic.